The following is an entry in ClinVar:

ClinVar aggregate classification (germline): Uncertain significance (1 of 4 stars; one submission).

gnomAD v4.1: 3 of 1,605,022 alleles (0.00019%); highest among the groups gnomAD compares: Non-Finnish European, 0.00026%; no homozygotes.

Submission:

GeneDx
Classification: Uncertain significance. Last evaluated: 2026-04-01. Review status: criteria provided, single submitter. Criteria: GeneDx Variant Classification Process June 2021. Collection method: clinical testing. Allele origin: germline.
Comment: Not observed at significant frequency in large population cohorts (gnomAD); In silico analysis suggests that this missense variant does not alter protein structure/function; Has not been previously published as pathogenic or benign to our knowledge

NM_005862.3(STAG1):c.2665A>G (p.Ile889Val)

Gene: STAG1 (STAG1 cohesin complex component; minus strand). Cytogenetic location: 3q22.3.
Variant type: single nucleotide variant.
Coding change: c.2665A>G on transcript NM_005862.3 (MANE Select); coding-DNA position 2665, A replaced by G.
Protein change: p.Ile889Val; replaces isoleucine 889 with valine.
Molecular consequence: missense variant.
Genome position (GRCh38, 1-based): chr3:136,366,963, T>C on the plus strand (A>G on the coding strand, the complement: STAG1 is on the minus strand). VCF-style: chr3-136366963-T-C. GRCh37 (hg19) VCF-style: chr3-136085805-T-C.
Other names: short protein forms I889V.
Identifiers: ClinVar variation 3365494 (VCV003365494.2).